The following is an entry in ClinVar:

NM_000141.5(FGFR2):c.868T>C (p.Trp290Arg)

Gene: FGFR2 (fibroblast growth factor receptor 2; minus strand). Cytogenetic location: 10q26.13.
Variant type: single nucleotide variant.
Coding change: c.868T>C on transcript NM_000141.5 (MANE Select); coding-DNA position 868, T replaced by C.
Protein change: p.Trp290Arg; replaces tryptophan 290 with arginine.
Molecular consequence: missense variant. On other transcripts: non-coding transcript variant (1), intron variant (1).
Genome position (GRCh38, 1-based): chr10:121,520,050, A>G on the plus strand (T>C on the coding strand, the complement: FGFR2 is on the minus strand). VCF-style: chr10-121520050-A-G. GRCh37 (hg19) VCF-style: chr10-123279564-A-G.
Other names: c.868T>C, p.Trp290Arg (NM_001144913.1, NM_001144917.2, NM_001320658.2 and 1 more transcripts); c.601T>C, p.Trp201Arg (NM_001144915.2, NM_001144919.2, NM_023029.3); c.523T>C, p.Trp175Arg (NM_001144916.2, NM_001144918.2); c.184T>C, p.Trp62Arg (NM_001320654.2); c.749-4731T>C (NM_001144914.1); short protein forms W290R, W201R, W175R, W62R.
Identifiers: ClinVar variation 13283 (VCV000013283.21), dbSNP rs121918501, ClinGen allele CA280185.

ClinVar aggregate classification (germline): Pathogenic. Review status: criteria provided, multiple submitters, no conflicts (2 of 4 stars). 10 submissions from 10 submitters: Pathogenic (7). 3 of the submissions do not count toward it. Last evaluated 2026-08-06.

Conditions:
FGFR2-related disorder. Identifiers: MedGen CN380096.
FGFR2-related craniosynostosis. Identifiers: MedGen CN231480.
Crouzon syndrome. Also called: CRANIOFACIAL DYSOSTOSIS, TYPE I; Craniofacial dysostosis type 1; Crouzon craniofacial dysostosis; Crouzon disease; Craniofacial dysostosis. Identifiers: Orphanet 207, MedGen C0010273, MeSH D003394, MONDO:0007405, OMIM 123500, HP:0004439.

gnomAD v4.1: 1 of 1,614,134 alleles (0.000062%); highest among the groups gnomAD compares: Non-Finnish European, 0.000085%; no homozygotes.

Submissions (10):

OLLIN Analises Genomicas, OLLIN
Classification: Pathogenic for Crouzon syndrome. Last evaluated: 2026-08-06. Review status: criteria provided, single submitter. Criteria: ACMG Guidelines 2015 PMID 25741868. Collection method: clinical testing. Allele origin: germline.
Comment: This missense variant, located in exon 7 (of 18), has been reported in ClinVar (accession VCV001995111.4), in gnomAD with an allele frequency of 0.000062%, and in the scientific literature in individuals with FGFR2 related disorders (PMID: 38409943, 7655462, 20503384, 16418739, 23431754, 24127277, 24656465). Functional studies suggest that this variant may affect protein function, and in silico analysis predicts a deleterious effect (PMID: 20503384). Another pathogenic variant has been reported to result in the same amino acid substitution (PMID: 38409943, 7655462). This variant is located in a region considered to be a mutational hotspot. Another pathogenic variant affecting the same amino acid residue has been reported. This gene is constrained for missense variation. According to the currently available evidence, this variant has been classified as pathogenic (PS1, PS3_P, PS4, PM1, PM2_P, PM5, PP2, PP3_M).

3billion
Classification: Pathogenic for Crouzon syndrome. Last evaluated: 2026-01-28. Review status: criteria provided, single submitter. Criteria: ACMG Guidelines, 2015. Collection method: clinical testing. Allele origin: germline. Affected: yes.
Comment: The variant is observed at an extremely low frequency in the gnomAD v4.1.0 dataset (total allele frequency: <0.001%). Predicted Consequence/Location: The variant is located in a mutational hot spot and/or well-established functional domain in which established pathogenic variants have been reported. Missense variant. Missense changes are a common disease-causing mechanism. In silico tool predictions suggest damaging effect of the variant on gene or gene product [REVEL: 0.97 (>=0.6, sensitivity 0.68 and specificity 0.92); 3Cnet: 0.99 (> 0.75, sensitivity 0.96 and precision 0.92)]. The same nucleotide change resulting in the same amino acid change has been previously reported as pathogenic/likely pathogenic with strong evidence (ClinVar ID: VCV000013283 /PMID: 7655462). Different missense changes at the same codon (p.Trp290Cys, p.Trp290Gly, p.Trp290Leu, p.Trp290Ser) have been reported as pathogenic/likely pathogenic with strong evidence (ClinVar ID: VCV000013281, VCV000013284, VCV000013293, VCV000374812, VCV001358710 /PMID: 24127277, 29095814, 8528214, 9150725, 9300656 /3billion dataset). Therefore, this variant is classified as Pathogenic according to the recommendation of ACMG/AMP guideline.

Labcorp Genetics (formerly Invitae), Labcorp
Classification: Pathogenic for FGFR2-related craniosynostosis. Last evaluated: 2025-03-27. Review status: criteria provided, single submitter. Criteria: Invitae Variant Classification Sherloc (09022015). Collection method: clinical testing. Allele origin: germline.
Comment: This sequence change replaces tryptophan, which is neutral and slightly polar, with arginine, which is basic and polar, at codon 290 of the FGFR2 protein (p.Trp290Arg). This variant is not present in population databases (gnomAD no frequency). This missense change has been observed in individuals with Crouzon syndrome (PMID: 7655462, 16418739, 23431754, 24127277, 24656465). ClinVar contains an entry for this variant (Variation ID: 13283). Invitae Evidence Modeling of protein sequence and biophysical properties (such as structural, functional, and spatial information, amino acid conservation, physicochemical variation, residue mobility, and thermodynamic stability) indicates that this missense variant is expected to disrupt FGFR2 protein function with a positive predictive value of 80%. Experimental studies have shown that this missense change affects FGFR2 function (PMID: 20503384). For these reasons, this variant has been classified as Pathogenic.

Blueprint Genetics
Classification: Pathogenic for FGFR2-related disorders. Last evaluated: 2024-04-12. Review status: criteria provided, single submitter. Criteria: ACMG Guidelines, 2015. Collection method: clinical testing. Allele origin: germline. Affected: yes. Observed: 3 variant alleles.

GeneDx
Classification: Pathogenic. Last evaluated: 2022-10-20. Review status: criteria provided, single submitter. Criteria: GeneDx Variant Classification Process June 2021. Collection method: clinical testing. Allele origin: germline. Affected: yes.
Comment: Published functional studies demonstrate a disruption of signalling in both isoforms of the FGFR2 protein, and heterozygosity in a mouse model leads to craniosynostosis and an abnormal skull shape (Mai et al., 2010); In silico analysis supports that this missense variant has a deleterious effect on protein structure/function; Not observed at significant frequency in large population cohorts (gnomAD); This variant is associated with the following publications: (PMID: 31837199, 24928000, 7655462, 20503384, 12884424, 23431754, 27228464, 16418739, 24656465, 24127277, Pitirri2020[abstract])

Department of Medical Genetics, Oslo University Hospital
Classification: Pathogenic for Crouzon syndrome. Last evaluated: 2019-06-03. Review status: criteria provided, single submitter. Criteria: ACMG Guidelines, 2015. Collection method: clinical testing. Allele origin: germline. Affected: yes. Observed: 1 variant allele, 1 heterozygote.

Genomic Diagnostic Laboratory, Division of Genomic Diagnostics, Children's Hospital of Philadelphia
Classification: Pathogenic for Crouzon syndrome. Last evaluated: 2016-09-17. Review status: criteria provided, single submitter. Criteria: DGD Variant Analysis Guidelines. Collection method: clinical testing. Allele origin: germline. Affected: yes. Observed: 6 variant alleles.
Comment: Clinical Testing

OMIM
Classification: Pathogenic for CROUZON SYNDROME. Last evaluated: 1995-06-01. Review status: no assertion criteria provided. Collection method: literature only. Allele origin: germline. Not counted in ClinVar's aggregate classification.

Clinical Genetics DNA and cytogenetics Diagnostics Lab, Erasmus MC, Erasmus Medical Center
Classification: Pathogenic. Review status: no assertion criteria provided. Collection method: clinical testing. Allele origin: germline. Affected: yes. Study: VKGL Data-share Consensus. Not counted in ClinVar's aggregate classification.

Joint Genome Diagnostic Labs from Nijmegen and Maastricht, Radboudumc and MUMC+
Classification: Pathogenic. Review status: no assertion criteria provided. Collection method: clinical testing. Allele origin: germline. Affected: yes. Study: VKGL Data-share Consensus. Not counted in ClinVar's aggregate classification.

Literature cited by the submitters: PubMed 38409943 (cited by OLLIN Analises Genomicas, OLLIN); PubMed 7655462 (cited by 4 submitters); PubMed 20503384 (cited by OLLIN Analises Genomicas, OLLIN and Labcorp Genetics (formerly Invitae), Labcorp); PubMed 16418739 (cited by OLLIN Analises Genomicas, OLLIN and Labcorp Genetics (formerly Invitae), Labcorp); PubMed 23431754 (cited by OLLIN Analises Genomicas, OLLIN and Labcorp Genetics (formerly Invitae), Labcorp); PubMed 24127277 (cited by 3 submitters); PubMed 24656465 (cited by OLLIN Analises Genomicas, OLLIN and Labcorp Genetics (formerly Invitae), Labcorp).